The following is an entry in ClinVar:

ClinVar aggregate classification (germline): Benign. Review status: criteria provided, multiple submitters, no conflicts (2 of 4 stars). 3 submissions from 3 submitters: Benign (3). Last evaluated 2024-08-01.

Allele frequency attached by ClinVar (database versions not stated): 1000 Genomes Project 30x 0.00390; 1000 Genomes Project 0.00399; ESP Exome Variant Server 0.00808; gnomAD exomes 0.00872; ExAC 0.00974; gnomAD 0.00981 and 0.01064; TOPMed 0.01008.
gnomAD v4.1: 18,888 of 1,612,888 alleles (1.2%); highest among the groups gnomAD compares: Non-Finnish European, 1.4%; 150 homozygotes.

Submissions (3):

CeGaT Center for Human Genetics Tuebingen
Classification: Benign. Last evaluated: 2024-08-01. Review status: criteria provided, single submitter. Criteria: CeGaT Center For Human Genetics Tuebingen Variant Classification Criteria Version 2. Collection method: clinical testing. Allele origin: germline. Affected: yes. Observed: 2 variant alleles.
Comment: ABCA13: BS1, BS2

Labcorp Genetics (formerly Invitae), Labcorp
Classification: Benign. Last evaluated: 2019-12-31. Review status: criteria provided, single submitter. Criteria: Invitae Variant Classification Sherloc (09022015). Collection method: clinical testing. Allele origin: germline.

Breakthrough Genomics
Classification: Benign. Review status: criteria provided, single submitter. Criteria: ACMG Guidelines, 2015. Collection method: not provided. Allele origin: germline. Inheritance: Unknown mechanism. Affected: yes.

NM_152701.5(ABCA13):c.13390C>A (p.Leu4464Met)

Gene: ABCA13 (ATP binding cassette subfamily A member 13; plus strand). Cytogenetic location: 7p12.3.
Variant type: single nucleotide variant.
Coding change: c.13390C>A on transcript NM_152701.5 (MANE Select); coding-DNA position 13390, C replaced by A.
Protein change: p.Leu4464Met; replaces leucine 4464 with methionine.
Molecular consequence: missense variant.
Genome position (GRCh38, 1-based): chr7:48,507,915, C>A. VCF-style: chr7-48507915-C-A. GRCh37 (hg19) VCF-style: chr7-48547511-C-A.
Other names: short protein forms L4464M.
Identifiers: ClinVar variation 774876 (VCV000774876.29), dbSNP rs78634768, ClinGen allele CA4259337.
Genomic context (GRCh38, chr7:48,507,915, plus strand): 5'-CTCTGTTCCACCCGCAGCCTGGAGAGCATCCGTCAGTGTGGAGTGGCCCTCTGCATCGTG[C>A]TGGGATTCTCCATCCTGTCTGCATCCATCGGCAGCTCTGTGGTGAGGGACAGGGTGATTG-3'
Protein context (NP_689914.3, residues 4454-4474): RQCGVALCIV[Leu4464Met]GFSILSASIG